The following is an entry in ClinVar:

ClinVar aggregate classification (germline): Likely pathogenic (1 of 4 stars; one submission).

Conditions:
Dilated cardiomyopathy 1G (CMD1G). Identifiers: Orphanet 154, MedGen C1858763, MONDO:0011400, OMIM 604145.
Autosomal recessive limb-girdle muscular dystrophy type 2J (LGMDR10). Also called: Limb-girdle muscular dystrophy, type 2J; MUSCULAR DYSTROPHY, LIMB-GIRDLE, AUTOSOMAL RECESSIVE 10. Identifiers: Orphanet 140922, MedGen C1837342, MONDO:0012127, OMIM 608807.

gnomAD v4.1: 3 of 1,613,480 alleles (0.00019%); highest among the groups gnomAD compares: African/African-American, 0.0013%; no homozygotes.

Submission:

Labcorp Genetics (formerly Invitae), Labcorp
Classification: Likely pathogenic for Dilated cardiomyopathy 1G; Autosomal recessive limb-girdle muscular dystrophy type 2J. Last evaluated: 2024-09-16. Review status: criteria provided, single submitter. Criteria: Invitae Variant Classification Sherloc (09022015). Collection method: clinical testing. Allele origin: germline.
Comment: This sequence change affects a donor splice site in intron 59 of the TTN gene. It is expected to disrupt RNA splicing and likely results in a truncated or disrupted TTN protein. This variant is present in population databases (rs747990127, gnomAD 0.006%). This variant has not been reported in the literature in individuals affected with TTN-related conditions. ClinVar contains an entry for this variant (Variation ID: 1353222). Algorithms developed to predict the effect of sequence changes on RNA splicing suggest that this variant may disrupt the consensus splice site. This variant is located in the I band of TTN (PMID: 25589632). Truncating variants in this region have been reported in individuals affected with autosomal recessive centronuclear myopathy (PMID: 23975875, internal data). Truncating variants in this region have also been identified in individuals affected with autosomal dominant dilated cardiomyopathy and/or cardio-related conditions (PMID: 27869827, 32964742, internal data). In summary, the currently available evidence indicates that the variant is pathogenic, but additional data are needed to prove that conclusively. Therefore, this variant has been classified as Likely Pathogenic.

Literature cited by the submitters: PubMed 25589632; PubMed 23975875; PubMed 27869827; PubMed 32964742.

NM_001267550.2(TTN):c.17461+1G>C

Genes: TTN (titin; minus strand), LOC126806431 (CDK7 strongly-dependent group 2 enhancer GRCh37_chr2:179595719-179596918; plus strand). Cytogenetic location: 2q31.2.
Variant type: single nucleotide variant.
Coding change: c.17461+1G>C on transcript NM_001267550.2 (MANE Select); the canonical splice donor site of the intron after coding-DNA position 17461, G replaced by C.
Molecular consequence: splice donor variant. On other transcripts: intron variant (3).
Genome position (GRCh38, 1-based): chr2:178,731,304, C>G on the plus strand (G>C on the coding strand, the complement: TTN is on the minus strand). VCF-style: chr2-178731304-C-G. GRCh37 (hg19) VCF-style: chr2-179596031-C-G.
Other names: c.13282+6778G>C (NM_003319.4); c.13858+6778G>C (NM_133437.4); c.13657+6778G>C (NM_133432.3); c.13729+1G>C (NM_133378.4); c.16510+1G>C (NM_001256850.1).
Identifiers: ClinVar variation 1353222 (VCV001353222.5), dbSNP rs747990127, ClinGen allele CA2001829.
Genomic context (GRCh38, chr2:178,731,304, plus strand): 5'-CTGCTGAAAGGCTTACATCTGCATTTCTTCCTCAAACCCAAGGCAAACGTTCTGAACCAA[C>G]CTTTTACTGAGAGTAATGCAGAACATCTTTGTATTCCTGCATCATTTTTGGCCTGACAGA-3'